The following is an entry in ClinVar:

NM_006269.2(RP1):c.3639_3652del (p.Thr1214fs)

Gene: RP1 (RP1 axonemal microtubule associated; plus strand). Cytogenetic location: 8q12.1.
Variant type: Deletion.
Coding change: c.3639_3652del on transcript NM_006269.2 (MANE Select); coding-DNA positions 3639 to 3652, 14 bases deleted (CACGGTCAACATTC).
Protein change: p.Thr1214fs; shifts the reading frame from threonine 1214.
Molecular consequence: frameshift variant. On other transcripts: intron variant (1).
Genome position (GRCh38, 1-based): chr8:54,627,521-54,627,534, CACGGTCAACATTC deleted; deleting any 14 consecutive bases within chr8:54,627,518-54,627,534 gives the same sequence; the c. name uses the placement nearest the transcript's 3' end. VCF-style (leftmost placement, unchanged base first): chr8-54627517-GTTCCACGGTCAACA-G. GRCh37 (hg19) VCF-style: chr8-55540077-GTTCCACGGTCAACA-G.
Other names: c.787+5233_787+5246del (NM_001375654.1); short protein forms T1214fs.
Identifiers: ClinVar variation 1075497 (VCV001075497.10), dbSNP rs1563331663, ClinGen allele CA582207900.

ClinVar aggregate classification (germline): Pathogenic/Likely pathogenic. Review status: criteria provided, multiple submitters, no conflicts (2 of 4 stars). 2 submissions from 2 submitters: Pathogenic (1); Likely pathogenic (1). Last evaluated 2023-07-07.

Conditions:
RP1-related disorder. Also called: RP1-related condition.

Submissions (2):

Labcorp Genetics (formerly Invitae), Labcorp
Classification: Pathogenic. Last evaluated: 2023-07-07. Review status: criteria provided, single submitter. Criteria: Invitae Variant Classification Sherloc (09022015). Collection method: clinical testing. Allele origin: germline.
Comment: This sequence change creates a premature translational stop signal (p.Thr1214Glufs*4) in the RP1 gene. While this is not anticipated to result in nonsense mediated decay, it is expected to disrupt the last 943 amino acid(s) of the RP1 protein. This variant is present in population databases (no rsID available, gnomAD 0.0009%). This variant has not been reported in the literature in individuals affected with RP1-related conditions. For these reasons, this variant has been classified as Pathogenic. This variant disrupts the C-terminus of the RP1 protein. Many variants that disrupt this region have been reported in individuals with either autosomal dominant or autosomal recessive retinitis pigmentosa (PMID: 11527933, 19933189, 29425069, 30027431, 33681214). Therefore, variants that disrupt this region are expected to be disease-causing. ClinVar contains an entry for this variant (Variation ID: 1075497).

Blueprint Genetics
Classification: Likely pathogenic for RP1-related disorders. Last evaluated: 2020-12-28. Review status: criteria provided, single submitter. Criteria: ACMG Guidelines, 2015. Collection method: clinical testing. Allele origin: germline. Affected: yes. Observed: 1 variant allele.

Literature cited by the submitters: PubMed 11527933 (cited by Labcorp Genetics (formerly Invitae), Labcorp); PubMed 19933189 (cited by Labcorp Genetics (formerly Invitae), Labcorp); PubMed 29425069 (cited by Labcorp Genetics (formerly Invitae), Labcorp); PubMed 30027431 (cited by Labcorp Genetics (formerly Invitae), Labcorp); PubMed 33681214 (cited by Labcorp Genetics (formerly Invitae), Labcorp).